The following is an entry in ClinVar:

ClinVar aggregate classification (germline): Uncertain significance. Review status: criteria provided, multiple submitters, no conflicts (2 of 4 stars). 4 submissions from 4 submitters: Uncertain significance (4). Last evaluated 2025-02-05.

Conditions:
Inborn genetic diseases. Identifiers: MedGen C0950123, MeSH D030342.
Autosomal recessive cerebellar ataxia-saccadic intrusion syndrome. Also called: VPS13D Movement Disorder; SPINOCEREBELLAR ATAXIA 24. Identifiers: Orphanet 95434, MedGen C1846492, MONDO:0011811, OMIM 607317.

Allele frequency attached by ClinVar (database versions not stated): gnomAD 0.00001; gnomAD exomes 0.00001; TOPMed 0.00001; ExAC 0.00003; ESP Exome Variant Server 0.00008.
gnomAD v4.1: 17 of 1,613,762 alleles (0.0011%); highest among the groups gnomAD compares: East Asian, 0.0045%; no homozygotes.

Submissions (4):

Mayo Clinic Laboratories, Mayo Clinic
Classification: Uncertain significance. Last evaluated: 2025-02-05. Review status: criteria provided, single submitter. Criteria: ACMG Guidelines, 2015. Collection method: clinical testing. Allele origin: germline. Observed: 1 variant allele.
Comment: PM2_supporting

Genomic Medicine Center of Excellence, King Faisal Specialist Hospital and Research Centre
Classification: Uncertain significance for Autosomal recessive cerebellar ataxia-saccadic intrusion syndrome. Last evaluated: 2024-12-19. Review status: criteria provided, single submitter. Criteria: ACMG Guidelines, 2015. Collection method: clinical testing. Allele origin: germline.

Ambry Genetics
Classification: Uncertain significance for Inborn genetic diseases. Last evaluated: 2023-03-20. Review status: criteria provided, single submitter. Criteria: Ambry Variant Classification Scheme 2023. Collection method: clinical testing. Allele origin: germline.

Labcorp Genetics (formerly Invitae), Labcorp
Classification: Uncertain significance. Last evaluated: 2022-03-22. Review status: criteria provided, single submitter. Criteria: Invitae Variant Classification Sherloc (09022015). Collection method: clinical testing. Allele origin: germline.
Comment: This sequence change replaces isoleucine, which is neutral and non-polar, with threonine, which is neutral and polar, at codon 1918 of the VPS13D protein (p.Ile1918Thr). In summary, the available evidence is currently insufficient to determine the role of this variant in disease. Therefore, it has been classified as a Variant of Uncertain Significance. Algorithms developed to predict the effect of missense changes on protein structure and function are either unavailable or do not agree on the potential impact of this missense change (SIFT: "Not Available"; PolyPhen-2: "Possibly Damaging"; Align-GVGD: "Not Available"). This variant has not been reported in the literature in individuals affected with VPS13D-related conditions. This variant is present in population databases (rs145061804, gnomAD 0.01%).

NM_015378.4(VPS13D):c.5753T>C (p.Ile1918Thr)

Gene: VPS13D (vacuolar protein sorting 13 homolog D; plus strand). Cytogenetic location: 1p36.22.
Variant type: single nucleotide variant.
Coding change: c.5753T>C on transcript NM_015378.4 (MANE Select); coding-DNA position 5753, T replaced by C.
Protein change: p.Ile1918Thr; replaces isoleucine 1918 with threonine.
Molecular consequence: missense variant.
Genome position (GRCh38, 1-based): chr1:12,291,025, T>C. VCF-style: chr1-12291025-T-C. GRCh37 (hg19) VCF-style: chr1-12351082-T-C.
Other names: p.Ile1918Thr; c.5753T>C, p.Ile1918Thr (NM_018156.4); c.5753T>C (NM_015378.2, NM_015378.3); short protein forms I1918T.
Identifiers: ClinVar variation 1962209 (VCV001962209.7), dbSNP rs145061804, ClinGen allele CA602416.
Genomic context (GRCh38, chr1:12,291,025, plus strand): 5'-CATAGTAATGTGTTCTAACTTTATCATCCCTAGAGGGAGACCTGGCCTTACAGGGCAGCA[T>C]TGGGAGTCTGTCTCTAAGTGACCTCACATGCCATGGAGAGTTCTACAGAGAACGGTTCAC-3'
Protein context (NP_056193.2, residues 1908-1928): IEGDLALQGS[Ile1918Thr]GSLSLSDLTC